The following is an entry in ClinVar:

ClinVar aggregate classification (germline): Benign (1 of 4 stars; one submission).

Conditions:
Heterotaxy, visceral, 4, autosomal (HTX4). Identifiers: Orphanet 450, MedGen C3151057, MONDO:0013403, OMIM 613751.

Allele frequency attached by ClinVar (database versions not stated): gnomAD 0.00021 and 0.00019; TOPMed 0.00024; 1000 Genomes Project 0.00060; 1000 Genomes Project 30x 0.00062.

Submission:

Illumina Laboratory Services, Illumina
Classification: Benign for Heterotaxy, visceral, 4, autosomal. Last evaluated: 2018-01-13. Review status: criteria provided, single submitter. Criteria: ICSL Variant Classification Criteria 13 December 2019. Collection method: clinical testing. Allele origin: germline.
Comment: This variant was observed in the ICSL laboratory as part of a predisposition screen in an ostensibly healthy population. It had not been previously curated by ICSL or reported in the Human Gene Mutation Database (HGMD: prior to June 1st, 2018), and was therefore a candidate for classification through an automated scoring system. Utilizing variant allele frequency, disease prevalence and penetrance estimates, and inheritance mode, an automated score was calculated to assess if this variant is too frequent to cause the disease. Based on the score and internal cut-off values, a variant classified as benign is not then subjected to further curation. The score for this variant resulted in a classification of benign for this disease.

NM_001106.4(ACVR2B):c.*7619C>T

Gene: ACVR2B (activin A receptor type 2B; plus strand). Cytogenetic location: 3p22.2.
Variant type: single nucleotide variant.
Coding change: c.*7619C>T on transcript NM_001106.4 (MANE Select); 7619 bases downstream of the stop codon, C replaced by T.
Molecular consequence: 3 prime UTR variant.
Genome position (GRCh38, 1-based): chr3:38,490,951, C>T. VCF-style: chr3-38490951-C-T. GRCh37 (hg19) VCF-style: chr3-38532442-C-T.
Identifiers: ClinVar variation 345022 (VCV000345022.5), dbSNP rs563606458, ClinGen allele CA10615764.